The following is an entry in ClinVar:

ClinVar aggregate classification (germline): Uncertain significance (1 of 4 stars; one submission).

Conditions:
Mitochondrial complex V (ATP synthase) deficiency, nuclear type 2. Also called: Nuclear-Encoded ATPase Deficiency, TMEM70-Related; ENCEPHALOCARDIOMYOPATHY, MITOCHONDRIAL, NEONATAL, DUE TO ATP SYNTHASE DEFICIENCY; MITOCHONDRIAL COMPLEX V (ATP SYNTHASE) DEFICIENCY, TMEM70 TYPE. Identifiers: Orphanet 1194, MedGen C3279699, MONDO:0013546, OMIM 614052.

Submission:

Labcorp Genetics (formerly Invitae), Labcorp
Classification: Uncertain significance for Mitochondrial complex V (ATP synthase) deficiency, nuclear type 2. Last evaluated: 2022-10-17. Review status: criteria provided, single submitter. Criteria: Invitae Variant Classification Sherloc (09022015). Collection method: clinical testing. Allele origin: germline.
Comment: This sequence change replaces glutamic acid, which is acidic and polar, with glutamine, which is neutral and polar, at codon 90 of the TMEM70 protein (p.Glu90Gln). This variant is not present in population databases (gnomAD no frequency). This variant has not been reported in the literature in individuals affected with TMEM70-related conditions. ClinVar contains an entry for this variant (Variation ID: 1390390). Advanced modeling of protein sequence and biophysical properties (such as structural, functional, and spatial information, amino acid conservation, physicochemical variation, residue mobility, and thermodynamic stability) performed at Invitae indicates that this missense variant is not expected to disrupt TMEM70 protein function. In summary, the available evidence is currently insufficient to determine the role of this variant in disease. Therefore, it has been classified as a Variant of Uncertain Significance.

NM_017866.6(TMEM70):c.268G>C (p.Glu90Gln)

Gene: TMEM70 (transmembrane protein 70; plus strand). Cytogenetic location: 8q21.11.
Variant type: single nucleotide variant.
Coding change: c.268G>C on transcript NM_017866.6 (MANE Select); coding-DNA position 268, G replaced by C.
Protein change: p.Glu90Gln; replaces glutamic acid 90 with glutamine.
Molecular consequence: missense variant. On other transcripts: non-coding transcript variant (1).
Genome position (GRCh38, 1-based): chr8:73,978,813, G>C. VCF-style: chr8-73978813-G-C. GRCh37 (hg19) VCF-style: chr8-74891048-G-C.
Other names: c.268G>C, p.Glu90Gln (NM_001040613.3); short protein forms E90Q.
Identifiers: ClinVar variation 1390390 (VCV001390390.6), dbSNP rs2131233810, ClinGen allele CA371489606.